The following is an entry in ClinVar:

NM_016604.4(KDM3B):c.509A>G (p.Glu170Gly)

Gene: KDM3B (lysine demethylase 3B; plus strand). Cytogenetic location: 5q31.2.
Variant type: single nucleotide variant.
Coding change: c.509A>G on transcript NM_016604.4 (MANE Select); coding-DNA position 509, A replaced by G.
Protein change: p.Glu170Gly; replaces glutamic acid 170 with glycine.
Molecular consequence: missense variant.
Genome position (GRCh38, 1-based): chr5:138,377,754, A>G. VCF-style: chr5-138377754-A-G. GRCh37 (hg19) VCF-style: chr5-137713443-A-G.
Other names: short protein forms E170G.
Identifiers: ClinVar variation 2634493 (VCV002634493.1), dbSNP rs1303337780, ClinGen allele CA361096808.

ClinVar aggregate classification (germline): Uncertain significance (1 of 4 stars; one submission).

Conditions:
KDM3B-related disorder. Also called: KDM3B-related condition.

Allele frequency attached by ClinVar (database versions not stated): gnomAD exomes below 0.00001; TOPMed below 0.00001; gnomAD 0.00001.
gnomAD v4.1: 2 of 1,613,814 alleles (0.00012%); highest among the groups gnomAD compares: Non-Finnish European, 0.00017%; no homozygotes.

Submission:

PreventionGenetics, part of Exact Sciences
Classification: Uncertain significance for KDM3B-related condition. Last evaluated: 2023-01-17. Review status: criteria provided, single submitter. Criteria: ACMG Guidelines, 2015. Collection method: clinical testing. Allele origin: germline.
Comment: The KDM3B c.509A>G variant is predicted to result in the amino acid substitution p.Glu170Gly. To our knowledge, this variant has not been reported in the literature. This variant is reported in 0.00088% of alleles in individuals of European (Non-Finnish) descent in gnomAD. At this time, the clinical significance of this variant is uncertain due to the absence of conclusive functional and genetic evidence.